The following is an entry in ClinVar:

NM_002471.4(MYH6):c.5036G>T (p.Arg1679Leu)

Genes: MYH6 (myosin heavy chain 6; minus strand), LOC126861896 (BRD4-independent group 4 enhancer GRCh37_chr14:23854904-23856103; plus strand). Cytogenetic location: 14q11.2.
Variant type: single nucleotide variant.
Coding change: c.5036G>T on transcript NM_002471.4 (MANE Select); coding-DNA position 5036, G replaced by T.
Protein change: p.Arg1679Leu; replaces arginine 1679 with leucine.
Molecular consequence: missense variant.
Genome position (GRCh38, 1-based): chr14:23,386,055, C>A on the plus strand (G>T on the coding strand, the complement: MYH6 is on the minus strand). VCF-style: chr14-23386055-C-A. GRCh37 (hg19) VCF-style: chr14-23855264-C-A.
Other names: short protein forms R1679L.
Identifiers: ClinVar variation 100839 (VCV000100839.2), dbSNP rs483352719, ClinGen allele CA229102.

ClinVar aggregate classification (germline): Uncertain significance. Review status: no assertion criteria provided (0 of 4 stars). 2 submissions from 1 submitter: Uncertain significance (1). 1 of the submissions does not count toward it.

gnomAD v4.1: 1 of 1,614,204 alleles (0.000062%); highest among the groups gnomAD compares: Non-Finnish European, 0.000085%; no homozygotes.

Submissions (2):

Richard Lifton Laboratory, Yale University School of Medicine
Classification: Uncertain significance. Review status: no assertion criteria provided. Collection method: not provided. Allele origin: somatic.
Comment: MYH6:p.R1679L
ClinVar note: Converted during submission from unknown to Uncertain significance.

Richard Lifton Laboratory, Yale University School of Medicine
Classification: Uncertain significance. Review status: flagged submission. Collection method: not provided. Allele origin: somatic. Not counted in ClinVar's aggregate classification.
ClinVar note: Converted during submission from unknown to Uncertain significance.
ClinVar note: Reason: This record appears to be redundant with a more recent record from the same submitter.
ClinVar note: Notes: SCV000120063 appears to be redundant with SCV000155166.